The following is an entry in ClinVar:

ClinVar aggregate classification (germline): Uncertain significance. Review status: criteria provided, multiple submitters, no conflicts (2 of 4 stars). 2 submissions from 2 submitters: Uncertain significance (2). Last evaluated 2025-09-28.

Conditions:
Autosomal dominant polycystic kidney disease. Identifiers: Orphanet 730, MedGen C0085413, MONDO:0004691.
Inborn genetic diseases. Identifiers: MedGen C0950123, MeSH D030342.

Allele frequency attached by ClinVar (database versions not stated): gnomAD exomes below 0.00001; ExAC 0.00002.
gnomAD v4.1: 7 of 1,613,132 alleles (0.00043%); highest among the groups gnomAD compares: South Asian, 0.0066%; no homozygotes.

Submissions (2):

Ambry Genetics
Classification: Uncertain significance for Inborn genetic diseases. Last evaluated: 2025-09-28. Review status: criteria provided, single submitter. Criteria: Ambry Variant Classification Scheme 2023. Collection method: clinical testing. Allele origin: germline.

Labcorp Genetics (formerly Invitae), Labcorp
Classification: Uncertain significance for Autosomal dominant polycystic kidney disease. Last evaluated: 2022-11-20. Review status: criteria provided, single submitter. Criteria: Invitae Variant Classification Sherloc (09022015). Collection method: clinical testing. Allele origin: germline.
Comment: This variant has not been reported in the literature in individuals affected with PKD2-related conditions. In summary, the available evidence is currently insufficient to determine the role of this variant in disease. Therefore, it has been classified as a Variant of Uncertain Significance. Advanced modeling of protein sequence and biophysical properties (such as structural, functional, and spatial information, amino acid conservation, physicochemical variation, residue mobility, and thermodynamic stability) performed at Invitae indicates that this missense variant is not expected to disrupt PKD2 protein function. This variant is present in population databases (rs758567628, gnomAD 0.01%). This sequence change replaces lysine, which is basic and polar, with asparagine, which is neutral and polar, at codon 718 of the PKD2 protein (p.Lys718Asn).

NM_000297.4(PKD2):c.2154A>C (p.Lys718Asn)

Gene: PKD2 (polycystin 2, transient receptor potential cation channel; plus strand). Cytogenetic location: 4q22.1.
Variant type: single nucleotide variant.
Coding change: c.2154A>C on transcript NM_000297.4 (MANE Select); coding-DNA position 2154, A replaced by C.
Protein change: p.Lys718Asn; replaces lysine 718 with asparagine.
Molecular consequence: missense variant. On other transcripts: non-coding transcript variant (1).
Genome position (GRCh38, 1-based): chr4:88,065,409, A>C. VCF-style: chr4-88065409-A-C. GRCh37 (hg19) VCF-style: chr4-88986561-A-C.
Other names: c.2154A>C (NM_000297.3); short protein forms K718N.
Identifiers: ClinVar variation 2726317 (VCV002726317.4), dbSNP rs758567628, ClinGen allele CA3004148.